The following is an entry in ClinVar:

ClinVar aggregate classification (germline): Uncertain significance. Review status: criteria provided, multiple submitters, no conflicts (2 of 4 stars). 2 submissions from 2 submitters: Uncertain significance (2). Last evaluated 2024-10-27.

Conditions:
Autosomal dominant epilepsy with auditory features. Identifiers: Orphanet 101046, MedGen C1838062, MONDO:0010898.
Inborn genetic diseases. Identifiers: MedGen C0950123, MeSH D030342.

gnomAD v4.1: 1 of 1,614,140 alleles (0.000062%); highest among the groups gnomAD compares: African/African-American, 0.0013%; no homozygotes.

Submissions (2):

Labcorp Genetics (formerly Invitae), Labcorp
Classification: Uncertain significance for Autosomal dominant epilepsy with auditory features. Last evaluated: 2024-10-27. Review status: criteria provided, single submitter. Criteria: Invitae Variant Classification Sherloc (09022015). Collection method: clinical testing. Allele origin: germline.
Comment: This sequence change replaces arginine, which is basic and polar, with glycine, which is neutral and non-polar, at codon 407 of the LGI1 protein (p.Arg407Gly). This variant is not present in population databases (gnomAD no frequency). This variant has not been reported in the literature in individuals affected with LGI1-related conditions. ClinVar contains an entry for this variant (Variation ID: 1413715). Invitae Evidence Modeling of protein sequence and biophysical properties (such as structural, functional, and spatial information, amino acid conservation, physicochemical variation, residue mobility, and thermodynamic stability) indicates that this missense variant is not expected to disrupt LGI1 protein function with a negative predictive value of 80%. In summary, the available evidence is currently insufficient to determine the role of this variant in disease. Therefore, it has been classified as a Variant of Uncertain Significance.

Ambry Genetics
Classification: Uncertain significance for Inborn genetic diseases. Last evaluated: 2022-09-06. Review status: criteria provided, single submitter. Criteria: Ambry Variant Classification Scheme 2023. Collection method: clinical testing. Allele origin: germline.

NM_005097.4(LGI1):c.1219C>G (p.Arg407Gly)

Gene: LGI1 (leucine rich glioma inactivated 1; plus strand). Cytogenetic location: 10q23.33.
Variant type: single nucleotide variant.
Coding change: c.1219C>G on transcript NM_005097.4 (MANE Select); coding-DNA position 1219, C replaced by G.
Protein change: p.Arg407Gly; replaces arginine 407 with glycine.
Molecular consequence: missense variant. On other transcripts: non-coding transcript variant (1), intron variant (1).
Genome position (GRCh38, 1-based): chr10:93,797,348, C>G. VCF-style: chr10-93797348-C-G. GRCh37 (hg19) VCF-style: chr10-95557105-C-G.
Other names: c.1075C>G, p.Arg359Gly (NM_001308276.2); c.839-401C>G (NM_001308275.2); c.1219C>G (NM_005097.2); short protein forms R407G, R359G.
Identifiers: ClinVar variation 1413715 (VCV001413715.9), dbSNP rs759897282, ClinGen allele CA211585693.